The following is an entry in ClinVar:

ClinVar aggregate classification (germline): Uncertain significance (1 of 4 stars; one submission).

Allele frequency attached by ClinVar (database versions not stated): gnomAD exomes below 0.00001; gnomAD 0.00001; TOPMed 0.00001.
gnomAD v4.1: 3 of 1,614,078 alleles (0.00019%); highest among the groups gnomAD compares: East Asian, 0.0022%; no homozygotes.

Submission:

Labcorp Genetics (formerly Invitae), Labcorp
Classification: Uncertain significance. Last evaluated: 2021-12-13. Review status: criteria provided, single submitter. Criteria: Invitae Variant Classification Sherloc (09022015). Collection method: clinical testing. Allele origin: germline.
Comment: In summary, the available evidence is currently insufficient to determine the role of this variant in disease. Therefore, it has been classified as a Variant of Uncertain Significance. Algorithms developed to predict the effect of missense changes on protein structure and function are either unavailable or do not agree on the potential impact of this missense change (SIFT: "Deleterious"; PolyPhen-2: "Possibly Damaging"; Align-GVGD: "Class C0"). This variant has not been reported in the literature in individuals affected with KMT2A-related conditions. This variant is present in population databases (rs200324977, gnomAD 0.006%). This sequence change replaces leucine, which is neutral and non-polar, with phenylalanine, which is neutral and non-polar, at codon 3277 of the KMT2A protein (p.Leu3277Phe).

NM_001197104.2(KMT2A):c.9829C>T (p.Leu3277Phe)

Gene: KMT2A (lysine methyltransferase 2A; plus strand). Cytogenetic location: 11q23.3.
Variant type: single nucleotide variant.
Coding change: c.9829C>T on transcript NM_001197104.2 (MANE Select); coding-DNA position 9829, C replaced by T.
Protein change: p.Leu3277Phe; replaces leucine 3277 with phenylalanine.
Molecular consequence: missense variant.
Genome position (GRCh38, 1-based): chr11:118,505,721, C>T. VCF-style: chr11-118505721-C-T. GRCh37 (hg19) VCF-style: chr11-118376436-C-T.
Other names: c.9919C>T, p.Leu3307Phe (NM_001412597.1); c.9820C>T, p.Leu3274Phe (NM_005933.4); short protein forms L3277F, L3307F, L3274F.
Identifiers: ClinVar variation 1919511 (VCV001919511.5), dbSNP rs200324977, ClinGen allele CA229529752.